The following is an entry in ClinVar:

ClinVar aggregate classification (germline): Pathogenic (1 of 4 stars; one submission).

Submission:

GeneDx
Classification: Pathogenic. Last evaluated: 2025-02-28. Review status: criteria provided, single submitter. Criteria: GeneDx Variant Classification Process June 2021. Collection method: clinical testing. Allele origin: germline. Affected: yes.
Comment: Frameshift variant predicted to result in protein truncation or nonsense mediated decay in a gene for which loss of function is a known mechanism of disease; Not observed at significant frequency in large population cohorts (gnomAD); This variant is associated with the following publications: (PMID: 26884178, 32239545, 17079196)

NM_004628.5(XPC):c.2429_2441del (p.Gly810fs)

Gene: XPC (XPC complex subunit, DNA damage recognition and repair factor; minus strand). Cytogenetic location: 3p25.1.
Variant type: Deletion.
Coding change: c.2429_2441del on transcript NM_004628.5 (MANE Select); coding-DNA positions 2429 to 2441, 13 bases deleted (GATACATCGTCTG).
Protein change: p.Gly810fs; shifts the reading frame from glycine 810.
Molecular consequence: frameshift variant. On other transcripts: non-coding transcript variant (2).
Genome position (GRCh38, 1-based): chr3:14,147,981-14,147,993, CAGACGATGTATC deleted on the plus strand (GATACATCGTCTG on the coding strand, the reverse complement: XPC is on the minus strand); deleting any 13 consecutive bases within chr3:14,147,981-14,147,995 gives the same sequence; the c. name uses the placement nearest the transcript's 3' end. VCF-style (leftmost placement, unchanged base first): chr3-14147980-GCAGACGATGTATC-G. GRCh37 (hg19) VCF-style: chr3-14189480-GCAGACGATGTATC-G.
Other names: c.1850_1862del, p.Gly617fs (NM_001354726.2); c.2423_2435del, p.Gly808fs (NM_001354727.2); c.2411_2423del, p.Gly804fs (NM_001354729.2); c.2183_2195del, p.Gly728fs (NM_001354730.2); c.2427_2439delTGGATACATCGTC, p.Gly810Alafs (NM_004628.4); short protein forms G617fs, G728fs, G804fs, G808fs, G810fs.
Identifiers: ClinVar variation 4077374 (VCV004077374.1).